The following is an entry in ClinVar:

ClinVar aggregate classification (germline): Uncertain significance (1 of 4 stars; one submission).

Submission:

GeneDx
Classification: Uncertain significance. Last evaluated: 2025-01-14. Review status: criteria provided, single submitter. Criteria: GeneDx Variant Classification Process June 2021. Collection method: clinical testing. Allele origin: germline. Affected: yes.
Comment: Not observed at significant frequency in large population cohorts (gnomAD); In silico analysis indicates that this missense variant does not alter protein structure/function; Has not been previously published as pathogenic or benign to our knowledge

NM_001164277.2(SLC37A4):c.601C>G (p.Pro201Ala)

Gene: SLC37A4 (solute carrier family 37 member 4; minus strand). Cytogenetic location: 11q23.3.
Variant type: single nucleotide variant.
Coding change: c.601C>G on transcript NM_001164277.2 (MANE Select); coding-DNA position 601, C replaced by G.
Protein change: p.Pro201Ala; replaces proline 201 with alanine.
Molecular consequence: missense variant.
Genome position (GRCh38, 1-based): chr11:119,027,652, G>C on the plus strand (C>G on the coding strand, the complement: SLC37A4 is on the minus strand). VCF-style: chr11-119027652-G-C. GRCh37 (hg19) VCF-style: chr11-118898362-G-C.
Other names: c.601C>G, p.Pro201Ala (NM_001164278.2, NM_001164280.2, NM_001467.6); c.382C>G, p.Pro128Ala (NM_001164279.2); short protein forms P128A, P201A.
Identifiers: ClinVar variation 4070587 (VCV004070587.1).